The following is an entry in ClinVar:

ClinVar aggregate classification (germline): Pathogenic/Likely pathogenic. Review status: criteria provided, multiple submitters, no conflicts (2 of 4 stars). 8 submissions from 8 submitters: Pathogenic (2); Likely pathogenic (6). Last evaluated 2026-04-30.

Conditions:
P2RX2-related disorder. Also called: P2RX2-related condition.
Autosomal dominant nonsyndromic hearing loss 41. Also called: Deafness, autosomal dominant 41. Identifiers: Orphanet 90635, MedGen C1842371, MONDO:0011994, OMIM 608224.
P2RX2-related disorders.

Allele frequency attached by ClinVar (database versions not stated): ExAC 0.00001; gnomAD 0.00001; gnomAD exomes 0.00001 and 0.00002; 1000 Genomes Project 30x 0.00016; 1000 Genomes Project 0.00020.

Submissions (8):

Laboratory of Molecular, Cellular and Translation Genetics in Otolaryngology/ Lim32-hcfmusp, University of Sao Paulo School of Medicine Clinics Hospital
Classification: Likely pathogenic for Autosomal dominant nonsyndromic hearing loss 41. Last evaluated: 2026-04-30. Review status: criteria provided, single submitter. Criteria: ACMG Guidelines, 2015. Collection method: research. Allele origin: germline. Affected: yes.
Comment: NM_170682.4 :c.1057G>A: p.(Gly353Arg). This variant has been classified as likely pathogenic. It is rare in population databases (PM2_supporting), and in silico prediction tools support a deleterious effect on protein function (PP3_moderate). It has been previously reported in individuals with nonsyndromic hearing loss (PS4_supporting) and has been shown to segregate with hearing loss in affected families (PP1). The same amino acid change as a previously established pathogenic variant has been reported (PS1). In the present cases, the variant was identified in the heterozygous state in two probands presenting with postlingual, progressive hearing loss. These findings support its role in autosomal dominant hearing loss as described in PMID: 42233699.

PreventionGenetics, part of Exact Sciences
Classification: Likely pathogenic for P2RX2-related condition. Last evaluated: 2026-04-28. Review status: criteria provided, single submitter. Criteria: ACMG Guidelines, 2015. Collection method: clinical testing. Allele origin: germline.
Comment: The P2RX2 c.1057G>A variant is predicted to result in the amino acid substitution p.Gly353Arg. To our knowledge, this variant has not been reported in the literature. An alternative nucleotide substitution (c.1057G>C) resulting in the same missense variant was reported to segregate in a large family with autosomal dominant non-syndromic progressive hearing loss with onset in the second decade (Faletra et al. 2014. PubMed ID: 24211385) with functional experiments demonstrating this variant impacts protein function (George et al. 2019. PubMed ID: 31636190). This variant is reported in 0.0056% of alleles in individuals of East Asian descent in gnomAD. This variant is interpreted as likely pathogenic.

Variantyx, Inc.
Classification: Likely pathogenic for Autosomal dominant nonsyndromic hearing loss 41. Last evaluated: 2025-03-26. Review status: criteria provided, single submitter. Criteria: Variantyx Assertion Criteria 2022. Collection method: clinical testing. Allele origin: germline. Inheritance: Autosomal dominant inheritance. Affected: yes.
Comment: This is a nonsynonymous variant in the P2RX2 gene (OMIM: 600844). Pathogenic variants in this gene have been associated with autosomal dominant deafness 41. An alternate nucleotide substitution resulting in the same amino acid change (c.1057G>C) has been previously reported as pathogenic (PMID: 24211385) (PS1). Multiple computational algorithms predict a deleterious effect for this variant (REVEL score: 0.805) (PP3_Moderate). This variant has a 0.0023% maximum allele frequency in non-founder control populations (PM2_Supporting). Computational algorithms produce conflicting evidence regarding the predicted functional impact of this variant (REVEL score: 0.805). Based on the current evidence, this variant is classified as likely pathogenic for autosomal dominant deafness 41.

3billion
Classification: Likely pathogenic for Autosomal dominant nonsyndromic hearing loss 41. Last evaluated: 2024-02-28. Review status: criteria provided, single submitter. Criteria: ACMG Guidelines, 2015. Collection method: clinical testing. Allele origin: germline. Affected: yes.
Comment: The variant is observed at an extremely low frequency in the gnomAD v2.1.1 dataset (total allele frequency: 0.002%). Predicted Consequence/Location: Missense changes are a common disease-causing mechanism. In silico tool predictions suggest damaging effect of the variant on gene or gene product [REVEL: 0.81 (>=0.6, sensitivity 0.68 and specificity 0.92); 3Cnet: 0.79 (>=0.6, sensitivity 0.72 and precision 0.9)]. Same nucleotide change resulting in same amino acid change has been previously reported as pathogenic/likely pathogenic with strong evidence (ClinVar ID: VCV000987153 /PMID: 24211385 /3billion dataset). Therefore, this variant is classified as Likely pathogenic according to the recommendation of ACMG/AMP guideline.

Labcorp Genetics (formerly Invitae), Labcorp
Classification: Pathogenic. Last evaluated: 2023-10-31. Review status: criteria provided, single submitter. Criteria: Invitae Variant Classification Sherloc (09022015). Collection method: clinical testing. Allele origin: germline.
Comment: This sequence change replaces glycine, which is neutral and non-polar, with arginine, which is basic and polar, at codon 353 of the P2RX2 protein (p.Gly353Arg). This variant is present in population databases (rs202138002, gnomAD 0.005%). This missense change has been observed in individual(s) with autosomal dominant nonsyndromic deafness (PMID: 24211385). It has also been observed to segregate with disease in related individuals. ClinVar contains an entry for this variant (Variation ID: 987153). Advanced modeling of protein sequence and biophysical properties (such as structural, functional, and spatial information, amino acid conservation, physicochemical variation, residue mobility, and thermodynamic stability) performed at Invitae indicates that this missense variant is expected to disrupt P2RX2 protein function with a positive predictive value of 80%. Experimental studies have shown that this missense change affects P2RX2 function (PMID: 31636190). For these reasons, this variant has been classified as Pathogenic.

Blueprint Genetics
Classification: Likely pathogenic for P2RX2-related disorders. Last evaluated: 2023-10-11. Review status: criteria provided, single submitter. Criteria: ACMG Guidelines, 2015. Collection method: clinical testing. Allele origin: germline. Affected: yes. Observed: 5 variant alleles.

Institute of Medical Genetics and Applied Genomics, University Hospital Tübingen
Classification: Pathogenic. Last evaluated: 2020-10-23. Review status: criteria provided, single submitter. Criteria: ACMG Guidelines, 2015. Collection method: clinical testing. Allele origin: germline. Inheritance: Unknown mechanism. Affected: yes.

Juno Genomics, Hangzhou Juno Genomics, Inc
Classification: Likely pathogenic for Autosomal dominant nonsyndromic hearing loss 41. Review status: criteria provided, single submitter. Criteria: ACMG Guidelines, 2015. Collection method: clinical testing. Allele origin: germline.
Comment: Absent from controls (or at extremely low frequency if recessive) in Genome Aggregation Database.;Same amino acid change as a previously established pathogenic variant regardless of nucleotide change.;Multiple lines of computational evidence support a deleterious effect on the gene or gene product.

Literature cited by the submitters: PubMed 24211385 (cited by 4 submitters); PubMed 27252659 (cited by Laboratory of Molecular, Cellular and Translation Genetics in Otolaryngology/ Lim32-hcfmusp, University of Sao Paulo School of Medicine Clinics Hospital); PubMed 29180951 (cited by Laboratory of Molecular, Cellular and Translation Genetics in Otolaryngology/ Lim32-hcfmusp, University of Sao Paulo School of Medicine Clinics Hospital); PubMed 31636191 (cited by Laboratory of Molecular, Cellular and Translation Genetics in Otolaryngology/ Lim32-hcfmusp, University of Sao Paulo School of Medicine Clinics Hospital); PubMed 42233699 (cited by Laboratory of Molecular, Cellular and Translation Genetics in Otolaryngology/ Lim32-hcfmusp, University of Sao Paulo School of Medicine Clinics Hospital); PubMed 31636190 (cited by Labcorp Genetics (formerly Invitae), Labcorp).

NM_170682.4(P2RX2):c.1057G>A (p.Gly353Arg)

Gene: P2RX2 (purinergic receptor P2X 2; plus strand). Cytogenetic location: 12q24.33.
Variant type: single nucleotide variant.
Coding change: c.1057G>A on transcript NM_170682.4 (MANE Select); coding-DNA position 1057, G replaced by A.
Protein change: p.Gly353Arg; replaces glycine 353 with arginine.
Molecular consequence: missense variant. On other transcripts: 3 prime UTR variant (1).
Genome position (GRCh38, 1-based): chr12:132,621,535, G>A. VCF-style: chr12-132621535-G-A. GRCh37 (hg19) VCF-style: chr12-133198121-G-A.
Other names: c.955G>A, p.Gly319Arg (NM_001282164.2); c.*26G>A (NM_001282165.2); c.841G>A, p.Gly281Arg (NM_012226.5); c.985G>A, p.Gly329Arg (NM_016318.4); c.1057G>A, p.Gly353Arg (NM_170683.4, NM_174873.3); c.781G>A, p.Gly261Arg (NM_174872.3); c.1057G>A (NM_174873.2); short protein forms G261R, G281R, G319R, G329R, G353R.
Identifiers: ClinVar variation 987153 (VCV000987153.10), dbSNP rs202138002, ClinGen allele CA6891795.